The following is an entry in ClinVar:

ClinVar aggregate classification (germline): Pathogenic (1 of 4 stars; one submission).

Conditions:
Curry-Hall syndrome (WAD). Also called: WEYERS ACRODENTAL DYSOSTOSIS. Identifiers: Orphanet 952, MedGen C0457013, MONDO:0008673, OMIM 193530.
Ellis-van Creveld syndrome (EVC). Also called: EVC-Related Ellis-van Creveld Syndrome; EVC2-Related Ellis-van Creveld Syndrome; MESOECTODERMAL DYSPLASIA; Chondroectodermal dysplasia. Identifiers: Orphanet 289, MedGen C0013903, MONDO:0009162, OMIM 225500.

Submission:

Labcorp Genetics (formerly Invitae), Labcorp
Classification: Pathogenic for Curry-Hall syndrome; Ellis-van Creveld syndrome. Last evaluated: 2024-03-13. Review status: criteria provided, single submitter. Criteria: Invitae Variant Classification Sherloc (09022015). Collection method: clinical testing. Allele origin: germline.
Comment: This sequence change creates a premature translational stop signal (p.Lys485Asnfs*15) in the EVC gene. It is expected to result in an absent or disrupted protein product. Loss-of-function variants in EVC are known to be pathogenic (PMID: 23220543). This variant is not present in population databases (gnomAD no frequency). This variant has not been reported in the literature in individuals affected with EVC-related conditions. For these reasons, this variant has been classified as Pathogenic.

Literature cited by the submitters: PubMed 23220543.

NM_153717.3(EVC):c.1455del (p.Lys485fs)

Gene: EVC (EvC ciliary complex subunit 1; plus strand). Cytogenetic location: 4p16.2.
Variant type: Deletion.
Coding change: c.1455del on transcript NM_153717.3 (MANE Select); coding-DNA position 1455, one base deleted (G; older notation c.1455delG).
Protein change: p.Lys485fs; shifts the reading frame from lysine 485.
Molecular consequence: frameshift variant.
Genome position (GRCh38, 1-based): chr4:5,753,924, G deleted. VCF-style (leftmost placement, unchanged base first): chr4-5753923-AG-A. GRCh37 (hg19) VCF-style: chr4-5755650-AG-A.
Other names: c.1455del, p.Lys485fs (NM_001306090.2, NM_001306092.2); short protein forms K485fs.
Identifiers: ClinVar variation 3755249 (VCV003755249.2).
Genomic context (GRCh38, chr4:5,753,923, plus strand): 5'-CCCAAGAGGAGGAACAGAGAAGCTTCCTGGCTGAGGCCCAGCCGACTGCTGACCCGGAAA[AG>A]TTTCTCGAGGTGACTCACATCCCCAGCCTCTGCACATGTGGGTGAGCCAGTTGTAGCTCT-3'